The following is an entry in ClinVar:

ClinVar aggregate classification (germline): Uncertain significance (1 of 4 stars; one submission).

Conditions:
Cardiovascular phenotype. Identifiers: MedGen CN230736.

Allele frequency attached by ClinVar (database versions not stated): gnomAD exomes below 0.00001.
gnomAD v4.1: 1 of 1,614,200 alleles (0.000062%); highest among the groups gnomAD compares: Non-Finnish European, 0.000085%; no homozygotes.

Submission:

Ambry Genetics
Classification: Uncertain significance for Cardiovascular phenotype. Last evaluated: 2023-10-20. Review status: criteria provided, single submitter. Criteria: Ambry Variant Classification Scheme 2023. Collection method: clinical testing. Allele origin: germline.
Comment: The p.A514V variant (also known as c.1541C>T), located in coding exon 12 of the ABCA1 gene, results from a C to T substitution at nucleotide position 1541. The alanine at codon 514 is replaced by valine, an amino acid with similar properties. This amino acid position is conserved. In addition, the in silico prediction for this alteration is inconclusive. Since supporting evidence is limited at this time, the clinical significance of this alteration remains unclear.

NM_005502.4(ABCA1):c.1541C>T (p.Ala514Val)

Gene: ABCA1 (ATP binding cassette subfamily A member 1; minus strand). Cytogenetic location: 9q31.1.
Variant type: single nucleotide variant.
Coding change: c.1541C>T on transcript NM_005502.4 (MANE Select); coding-DNA position 1541, C replaced by T.
Protein change: p.Ala514Val; replaces alanine 514 with valine.
Molecular consequence: missense variant.
Genome position (GRCh38, 1-based): chr9:104,831,796, G>A on the plus strand (C>T on the coding strand, the complement: ABCA1 is on the minus strand). VCF-style: chr9-104831796-G-A. GRCh37 (hg19) VCF-style: chr9-107594077-G-A.
Other names: short protein forms A514V.
Identifiers: ClinVar variation 3224728 (VCV003224728.1), dbSNP rs2538180431, ClinGen allele CA374325118.